The following is an entry in ClinVar:

ClinVar aggregate classification (germline): Uncertain significance (1 of 4 stars; one submission).

Allele frequency attached by ClinVar (database versions not stated): gnomAD 0.00001; TOPMed 0.00001.
gnomAD v4.1: 3 of 1,613,718 alleles (0.00019%); highest among the groups gnomAD compares: African/African-American, 0.0027%; no homozygotes.

Submission:

Labcorp Genetics (formerly Invitae), Labcorp
Classification: Uncertain significance. Last evaluated: 2022-09-01. Review status: criteria provided, single submitter. Criteria: Invitae Variant Classification Sherloc (09022015). Collection method: clinical testing. Allele origin: germline.
Comment: This variant is not present in population databases (gnomAD no frequency). In summary, the available evidence is currently insufficient to determine the role of this variant in disease. Therefore, it has been classified as a Variant of Uncertain Significance. Algorithms developed to predict the effect of missense changes on protein structure and function are either unavailable or do not agree on the potential impact of this missense change (SIFT: "Not Available"; PolyPhen-2: "Benign"; Align-GVGD: "Not Available"). ClinVar contains an entry for this variant (Variation ID: 1485758). This missense change has been observed in individual(s) with retinitis pigmentosa (Invitae). This sequence change replaces lysine with glutamic acid at codon 313 of the TULP1 protein (p.Lys313Glu). The lysine residue is moderately conserved and there is a small physicochemical difference between lysine and glutamic acid.

NM_003322.6(TULP1):c.937A>G (p.Lys313Glu)

Gene: TULP1 (TUB like protein 1; minus strand). Cytogenetic location: 6p21.31.
Variant type: single nucleotide variant.
Coding change: c.937A>G on transcript NM_003322.6 (MANE Select); coding-DNA position 937, A replaced by G.
Protein change: p.Lys313Glu; replaces lysine 313 with glutamic acid.
Molecular consequence: missense variant.
Genome position (GRCh38, 1-based): chr6:35,506,065, T>C on the plus strand (A>G on the coding strand, the complement: TULP1 is on the minus strand). VCF-style: chr6-35506065-T-C. GRCh37 (hg19) VCF-style: chr6-35473842-T-C.
Other names: c.778A>G, p.Lys260Glu (NM_001289395.2); short protein forms K260E, K313E.
Identifiers: ClinVar variation 1485758 (VCV001485758.6), dbSNP rs1761076886, ClinGen allele CA363780208.